The following is an entry in ClinVar:

NM_000179.3(MSH6):c.3252_3254delinsATA (p.Asp1084_Thr1085delinsGluTyr)

Gene: MSH6 (mutS homolog 6; plus strand). Cytogenetic location: 2p16.3.
Variant type: Indel.
Coding change: c.3252_3254delinsATA on transcript NM_000179.3 (MANE Select); coding-DNA positions 3252 to 3254, TAC replaced by ATA.
Protein change: p.Asp1084_Thr1085delinsGluTyr.
Molecular consequence: missense variant. On other transcripts: non-coding transcript variant (5), intron variant (1).
Genome position (GRCh38, 1-based): chr2:47,803,499-47,803,501, TAC replaced by ATA. VCF-style: chr2-47803499-TAC-ATA. GRCh37 (hg19) VCF-style: chr2-48030638-TAC-ATA.
Other names: c.2862_2864delinsATA, p.Asp954_Thr955delinsGluTyr (NM_001281492.2); c.2346_2348delinsATA, p.Asp782_Thr783delinsGluTyr (NM_001281493.2, NM_001281494.2, NM_001406811.1 and 6 more transcripts); c.3348_3350delinsATA, p.Asp1116_Thr1117delinsGluTyr (NM_001406795.1, NM_001406802.1); c.3252_3254delinsATA, p.Asp1084_Thr1085delinsGluTyr (NM_001406796.1, NM_001406800.1, NM_001406808.1 and 1 more transcripts); c.2955_2957delinsATA, p.Asp985_Thr986delinsGluTyr (NM_001406797.1, NM_001406801.1, NM_001406805.1 and 10 more transcripts); c.2727_2729delinsATA, p.Asp909_Thr910delinsGluTyr (NM_001406799.1, NM_001406806.1, NM_001406807.1); c.2388_2390delinsATA, p.Asp796_Thr797delinsGluTyr (NM_001406803.1); c.3174_3176delinsATA, p.Asp1058_Thr1059delinsGluTyr (NM_001406804.1); and 7 more.
Identifiers: ClinVar variation 4726420 (VCV004726420.1).

ClinVar aggregate classification (germline): Uncertain significance (1 of 4 stars; one submission).

Conditions:
Hereditary nonpolyposis colorectal neoplasms. Identifiers: MedGen C0009405, MeSH D003123.

Submission:

Labcorp Genetics (formerly Invitae), Labcorp
Classification: Uncertain significance for Hereditary nonpolyposis colorectal neoplasms. Last evaluated: 2025-08-31. Review status: criteria provided, single submitter. Criteria: Invitae Variant Classification Sherloc (09022015). Collection method: clinical testing. Allele origin: germline.
Comment: This variant, c.3252_3254delinsATA, is a complex sequence change that results in the deletion of 2 and insertion of 2 amino acid(s) in the MSH6 protein (p.Asp1084_Thr1085delinsGluTyr). Information on the frequency of this variant in the gnomAD database is not available, as this variant may be reported differently in the database. This variant has not been reported in the literature in individuals affected with MSH6-related conditions. Experimental studies and prediction algorithms are not available or were not evaluated, and the functional significance of this variant is currently unknown. In summary, the available evidence is currently insufficient to determine the role of this variant in disease. Therefore, it has been classified as a Variant of Uncertain Significance.